The following is an entry in ClinVar:

ClinVar aggregate classification (germline): Uncertain significance (1 of 4 stars; one submission).

Conditions:
Ataxia-telangiectasia syndrome (AT). Also called: LOUIS-BAR SYNDROME; Cerebello-oculocutaneous telangiectasia; Immunodeficiency with ataxia telangiectasia; Ataxia-telangiectasia, complementation group D; AT, COMPLEMENTATION GROUP C; ATAXIA-TELANGIECTASIA, COMPLEMENTATION GROUP A. Identifiers: Orphanet 100, MedGen C0004135, MONDO:0008840, OMIM 208900.

Submission:

Labcorp Genetics (formerly Invitae), Labcorp
Classification: Uncertain significance for Ataxia-telangiectasia syndrome. Last evaluated: 2025-06-24. Review status: criteria provided, single submitter. Criteria: Invitae Variant Classification Sherloc (09022015). Collection method: clinical testing. Allele origin: germline.
Comment: This sequence change falls in intron 62 of the ATM gene. It does not directly change the encoded amino acid sequence of the ATM protein. It affects a nucleotide within the consensus splice site. This variant is not present in population databases (gnomAD no frequency). This variant has not been reported in the literature in individuals affected with ATM-related conditions. Variants that disrupt the consensus splice site are a relatively common cause of aberrant splicing (PMID: 17576681, 9536098). Algorithms developed to predict the effect of sequence changes on RNA splicing suggest that this variant is not likely to affect RNA splicing. In summary, the available evidence is currently insufficient to determine the role of this variant in disease. Therefore, it has been classified as a Variant of Uncertain Significance.

Literature cited by the submitters: PubMed 17576681; PubMed 9536098.

NM_000051.4(ATM):c.8987+6C>T

Genes: ATM (ATM serine/threonine kinase; plus strand), C11orf65 (chromosome 11 open reading frame 65; minus strand). Cytogenetic location: 11q22.3.
Variant type: single nucleotide variant.
Coding change: c.8987+6C>T on transcript NM_000051.4 (MANE Select); 6 bases into the intron after coding-DNA position 8987, C replaced by T.
Molecular consequence: intron variant.
Genome position (GRCh38, 1-based): chr11:108,365,224, C>T. VCF-style: chr11-108365224-C-T. GRCh37 (hg19) VCF-style: chr11-108235951-C-T.
Other names: c.8987+6C>T (NM_001351834.2); c.640+20696G>A (NM_001330368.2); c.694+20696G>A (NM_001351110.2).
Identifiers: ClinVar variation 4811922 (VCV004811922.1).